The following is an entry in ClinVar:

NM_000069.3(CACNA1S):c.574G>A (p.Ala192Thr)

Gene: CACNA1S (calcium voltage-gated channel subunit alpha1 S; minus strand). Cytogenetic location: 1q32.1.
Variant type: single nucleotide variant.
Coding change: c.574G>A on transcript NM_000069.3 (MANE Select); coding-DNA position 574, G replaced by A.
Protein change: p.Ala192Thr; replaces alanine 192 with threonine.
Molecular consequence: missense variant.
Genome position (GRCh38, 1-based): chr1:201,091,760, C>T on the plus strand (G>A on the coding strand, the complement: CACNA1S is on the minus strand). VCF-style: chr1-201091760-C-T. GRCh37 (hg19) VCF-style: chr1-201060888-C-T.
Other names: short protein forms A192T.
Identifiers: ClinVar variation 3072605 (VCV003072605.1), dbSNP rs775938436, ClinGen allele CA344140538.

ClinVar aggregate classification (germline): Uncertain significance (1 of 4 stars; one submission).

Conditions:
Malignant hyperthermia, susceptibility to, 5 (MHS5). Also called: CACNA1S-Related Malignant Hyperthermia Susceptibility. Identifiers: Orphanet 423, MedGen C1866077, MONDO:0011163, OMIM 601887.

Submission:

All of Us Research Program, National Institutes of Health
Classification: Uncertain significance for Malignant hyperthermia, susceptibility to, 5. Last evaluated: 2023-08-08. Review status: criteria provided, single submitter. Criteria: ACMG Guidelines, 2015. Collection method: clinical testing. Allele origin: germline. Inheritance: Autosomal dominant inheritance. Observed: 1 variant allele, 1 heterozygote.
Comment: This missense variant replaces alanine with threonine at codon 192 of the CACNA1S protein. Computational prediction suggests that this variant may have deleterious impact on protein structure and function (internally defined REVEL score threshold >= 0.7, PMID: 27666373). To our knowledge, functional studies have not been reported for this variant. This variant has not been reported in individuals affected with CACNA1S-related disorders in the literature. This variant has not been identified in the general population by the Genome Aggregation Database (gnomAD). The available evidence is insufficient to determine the role of this variant in disease conclusively. Therefore, this variant is classified as a Variant of Uncertain Significance.

This study involves interpretation of variants in research participants for the purpose of population health screening. Participant phenotype was not available at the time of variant classification. Additional details can be found in publication PMID: 35346344, PMCID: PMC8962531